The following is an entry in ClinVar:

NM_201548.5(CERKL):c.29T>C (p.Val10Ala)

Genes: CERKL (CERK like autophagy regulator; minus strand), LOC129935215 (ATAC-STARR-seq lymphoblastoid silent region 12158; plus strand). Cytogenetic location: 2q31.3.
Variant type: single nucleotide variant.
Coding change: c.29T>C on transcript NM_201548.5 (MANE Select); coding-DNA position 29, T replaced by C.
Protein change: p.Val10Ala; replaces valine 10 with alanine.
Molecular consequence: missense variant. On other transcripts: non-coding transcript variant (2).
Genome position (GRCh38, 1-based): chr2:181,656,978, A>G on the plus strand (T>C on the coding strand, the complement: CERKL is on the minus strand). VCF-style: chr2-181656978-A-G. GRCh37 (hg19) VCF-style: chr2-182521705-A-G.
Other names: c.29T>C, p.Val10Ala (NM_001030311.3, NM_001030312.3, NM_001030313.3 and 1 more transcripts); short protein forms V10A.
Identifiers: ClinVar variation 1523333 (VCV001523333.6), dbSNP rs2105569325, ClinGen allele CA349745908.

ClinVar aggregate classification (germline): Uncertain significance (1 of 4 stars; one submission).

Submission:

Labcorp Genetics (formerly Invitae), Labcorp
Classification: Uncertain significance. Last evaluated: 2021-10-07. Review status: criteria provided, single submitter. Criteria: Invitae Variant Classification Sherloc (09022015). Collection method: clinical testing. Allele origin: germline.
Comment: This variant has not been reported in the literature in individuals affected with CERKL-related conditions. This variant is not present in population databases (ExAC no frequency). This sequence change replaces valine with alanine at codon 10 of the CERKL protein (p.Val10Ala). The valine residue is weakly conserved and there is a small physicochemical difference between valine and alanine. Algorithms developed to predict the effect of missense changes on protein structure and function are either unavailable or do not agree on the potential impact of this missense change (SIFT: "Tolerated"; PolyPhen-2: "Probably Damaging"; Align-GVGD: "Class C0"). In summary, the available evidence is currently insufficient to determine the role of this variant in disease. Therefore, it has been classified as a Variant of Uncertain Significance.